The following is an entry in ClinVar:

ClinVar aggregate classification (germline): Benign. Review status: criteria provided, single submitter (1 of 4 stars). 2 submissions from 2 submitters: Benign (1). 1 of the submissions does not count toward it. Last evaluated 2025-02-12.

Conditions:
PACS2-related disorder. Also called: PACS2-related condition.

Allele frequency attached by ClinVar (database versions not stated): ExAC 0.00002; gnomAD 0.00002; gnomAD exomes 0.00002; TOPMed 0.00004.
gnomAD v4.1: 30 of 1,599,706 alleles (0.0019%); highest among the groups gnomAD compares: Admixed American, 0.037%; no homozygotes.

Submissions (2):

Labcorp Genetics (formerly Invitae), Labcorp
Classification: Benign. Last evaluated: 2025-02-12. Review status: criteria provided, single submitter. Criteria: Invitae Variant Classification Sherloc (09022015). Collection method: clinical testing. Allele origin: germline.

PreventionGenetics, part of Exact Sciences
Classification: Likely benign for PACS2-related condition. Last evaluated: 2023-03-21. Review status: no assertion criteria provided. Collection method: clinical testing. Allele origin: germline. Not counted in ClinVar's aggregate classification.
Comment: This variant is classified as likely benign based on ACMG/AMP sequence variant interpretation guidelines (Richards et al. 2015 PMID: 25741868, with internal and published modifications).

NM_001100913.3(PACS2):c.1759C>T (p.Arg587Cys)

Gene: PACS2 (phosphofurin acidic cluster sorting protein 2; plus strand). Cytogenetic location: 14q32.33.
Variant type: single nucleotide variant.
Coding change: c.1759C>T on transcript NM_001100913.3 (MANE Select); coding-DNA position 1759, C replaced by T.
Protein change: p.Arg587Cys; replaces arginine 587 with cysteine.
Molecular consequence: missense variant.
Genome position (GRCh38, 1-based): chr14:105,383,492, C>T. VCF-style: chr14-105383492-C-T. GRCh37 (hg19) VCF-style: chr14-105849829-C-T.
Other names: c.1522C>T, p.Arg508Cys (NM_001243127.3); c.1747C>T, p.Arg583Cys (NM_015197.4); c.1759C>T (NM_001100913.2); short protein forms R508C, R583C, R587C.
Identifiers: ClinVar variation 1440681 (VCV001440681.10), dbSNP rs782756538, ClinGen allele CA7388973.